The following is an entry in ClinVar:

ClinVar aggregate classification (germline): Conflicting classifications of pathogenicity. Review status: criteria provided, conflicting classifications (1 of 4 stars). 5 submissions from 5 submitters: Uncertain significance (1); Benign (1); Likely benign (3). Last evaluated 2026-03-01.

Conditions:
Bethlem myopathy 1A. Also called: MYOPATHY, BENIGN CONGENITAL, WITH CONTRACTURES; Bethlem myopathy 1; Bethlem Muscular Dystrophy. Identifiers: Orphanet 610, MedGen CN029274, MONDO:0024530, OMIM 158810.

Allele frequency attached by ClinVar (database versions not stated): ESP Exome Variant Server 0.00015; gnomAD 0.00021 and 0.00022; ExAC 0.00022; gnomAD exomes 0.00025; TOPMed 0.00026.
gnomAD v4.1: 328 of 1,614,026 alleles (0.02%); highest among the groups gnomAD compares: Admixed American, 0.09%; no homozygotes.

Submissions (5):

CeGaT Center for Human Genetics Tuebingen
Classification: Likely benign. Last evaluated: 2026-03-01. Review status: criteria provided, single submitter. Criteria: CeGaT Center For Human Genetics Tuebingen Variant Classification Criteria Version 2. Collection method: clinical testing. Allele origin: germline. Affected: yes. Observed: 2 variant alleles.
Comment: COL6A3: BP4, BP7

Labcorp Genetics (formerly Invitae), Labcorp
Classification: Benign for Bethlem myopathy 1A. Last evaluated: 2026-01-30. Review status: criteria provided, single submitter. Criteria: Invitae Variant Classification Sherloc (09022015). Collection method: clinical testing. Allele origin: germline.

Eurofins Ntd Llc (ga)
Classification: Uncertain significance. Last evaluated: 2016-12-20. Review status: criteria provided, single submitter. Criteria: EGL Classification Definitions 2015. Collection method: clinical testing. Allele origin: germline. Observed: 4 variant alleles, 4 heterozygotes.

GeneDx
Classification: Likely benign. Last evaluated: 2016-12-07. Review status: criteria provided, single submitter. Criteria: GeneDx Variant Classification (06012015). Collection method: clinical testing. Allele origin: germline. Affected: yes.
Comment: This variant is considered likely benign or benign based on one or more of the following criteria: it is a conservative change, it occurs at a poorly conserved position in the protein, it is predicted to be benign by multiple in silico algorithms, and/or has population frequency not consistent with disease.

PreventionGenetics, part of Exact Sciences
Classification: Likely benign. Review status: criteria provided, single submitter. Criteria: ACMG Guidelines, 2015. Collection method: clinical testing. Allele origin: germline.

NM_004369.4(COL6A3):c.3954C>T (p.Tyr1318=)

Gene: COL6A3 (collagen type VI alpha 3 chain; minus strand). Cytogenetic location: 2q37.3.
Variant type: single nucleotide variant.
Coding change: c.3954C>T on transcript NM_004369.4 (MANE Select); coding-DNA position 3954, C replaced by T.
Protein change: p.Tyr1318=; no amino-acid change (tyrosine 1318 retained).
Molecular consequence: synonymous variant.
Genome position (GRCh38, 1-based): chr2:237,372,063, G>A on the plus strand (C>T on the coding strand, the complement: COL6A3 is on the minus strand). VCF-style: chr2-237372063-G-A. GRCh37 (hg19) VCF-style: chr2-238280706-G-A.
Other names: c.2733C>T, p.Tyr911= (NM_057164.5); c.3336C>T, p.Tyr1112= (NM_057165.5, NM_057167.4); c.2133C>T, p.Tyr711= (NM_057166.5).
Identifiers: ClinVar variation 94926 (VCV000094926.40), dbSNP rs375909800, ClinGen allele CA222600.